The following is an entry in ClinVar:

ClinVar aggregate classification (germline): Uncertain significance (1 of 4 stars; one submission).

gnomAD v4.1: 2 of 1,614,146 alleles (0.00012%); highest among the groups gnomAD compares: South Asian, 0.0011%; no homozygotes.

Submission:

GeneDx
Classification: Uncertain significance. Last evaluated: 2023-07-20. Review status: criteria provided, single submitter. Criteria: GeneDx Variant Classification Process June 2021. Collection method: clinical testing. Allele origin: germline. Affected: yes.
Comment: Not observed at significant frequency in large population cohorts (gnomAD); In silico analysis supports that this missense variant has a deleterious effect on protein structure/function; Has not been previously published as pathogenic or benign to our knowledge

NM_001001331.4(ATP2B2):c.3361C>T (p.Arg1121Trp)

Gene: ATP2B2 (ATPase plasma membrane Ca2+ transporting 2; minus strand). Cytogenetic location: 3p25.3.
Variant type: single nucleotide variant.
Coding change: c.3361C>T on transcript NM_001001331.4 (MANE Select); coding-DNA position 3361, C replaced by T.
Protein change: p.Arg1121Trp; replaces arginine 1121 with tryptophan.
Molecular consequence: missense variant.
Genome position (GRCh38, 1-based): chr3:10,338,235, G>A on the plus strand (C>T on the coding strand, the complement: ATP2B2 is on the minus strand). VCF-style: chr3-10338235-G-A. GRCh37 (hg19) VCF-style: chr3-10379919-G-A.
Other names: c.3226C>T, p.Arg1076Trp (NM_001330611.3, NM_001353564.1, NM_001363862.1 and 1 more transcripts); short protein forms R1076W, R1121W.
Identifiers: ClinVar variation 3361013 (VCV003361013.1).